The following is an entry in ClinVar:

ClinVar aggregate classification (germline): Uncertain significance. Review status: criteria provided, multiple submitters, no conflicts (2 of 4 stars). 2 submissions from 2 submitters: Uncertain significance (2). Last evaluated 2025-09-23.

Conditions:
Supravalvar aortic stenosis (SVAS). Also called: Supravalvar aortic stenosis, Eisenberg type. Identifiers: Orphanet 3193, MedGen C0003499, MONDO:0008504, OMIM 185500, HP:0004381.

Allele frequency attached by ClinVar (database versions not stated): ESP Exome Variant Server 0.00008.
gnomAD v4.1: 8 of 1,613,312 alleles (0.0005%); highest among the groups gnomAD compares: African/African-American, 0.008%; no homozygotes.

Submissions (2):

Labcorp Genetics (formerly Invitae), Labcorp
Classification: Uncertain significance for Supravalvar aortic stenosis. Last evaluated: 2025-09-23. Review status: criteria provided, single submitter. Criteria: Invitae Variant Classification Sherloc (09022015). Collection method: clinical testing. Allele origin: germline.
Comment: This sequence change replaces alanine, which is neutral and non-polar, with serine, which is neutral and polar, at codon 84 of the ELN protein (p.Ala84Ser). This variant is present in population databases (rs369246451, gnomAD 0.008%). This variant has not been reported in the literature in individuals affected with ELN-related conditions. ClinVar contains an entry for this variant (Variation ID: 2732985). Invitae Evidence Modeling of protein sequence and biophysical properties (such as structural, functional, and spatial information, amino acid conservation, physicochemical variation, residue mobility, and thermodynamic stability) indicates that this missense variant is not expected to disrupt ELN protein function with a negative predictive value of 80%. In summary, the available evidence is currently insufficient to determine the role of this variant in disease. Therefore, it has been classified as a Variant of Uncertain Significance.

GeneDx
Classification: Uncertain significance. Last evaluated: 2025-05-20. Review status: criteria provided, single submitter. Criteria: GeneDx Variant Classification Process June 2021. Collection method: clinical testing. Allele origin: germline. Affected: yes.
Comment: Not observed at significant frequency in large population cohorts (gnomAD); In silico analysis suggests that this missense variant does not alter protein structure/function; Has not been previously published as pathogenic or benign to our knowledge

NM_000501.4(ELN):c.250G>T (p.Ala84Ser)

Gene: ELN (elastin; plus strand). Cytogenetic location: 7q11.23.
Variant type: single nucleotide variant.
Coding change: c.250G>T on transcript NM_000501.4 (MANE Select); coding-DNA position 250, G replaced by T.
Protein change: p.Ala84Ser; replaces alanine 84 with serine.
Molecular consequence: missense variant.
Genome position (GRCh38, 1-based): chr7:74,042,631, G>T. VCF-style: chr7-74042631-G-T. GRCh37 (hg19) VCF-style: chr7-73456961-G-T.
Other names: c.250G>T (NM_000501.2); c.220G>T, p.Ala74Ser (NM_001081752.3, NM_001278914.2, NM_001278917.2 and 1 more transcripts); c.250G>T, p.Ala84Ser (NM_001081753.3, NM_001081754.3, NM_001081755.3 and 4 more transcripts); c.214G>T, p.Ala72Ser (NM_001278913.2); short protein forms A72S, A74S, A84S.
Identifiers: ClinVar variation 2732985 (VCV002732985.4), dbSNP rs369246451, ClinGen allele CA367869181.